The following is an entry in ClinVar:

ClinVar aggregate classification (germline): Uncertain significance (1 of 4 stars; one submission).

Allele frequency attached by ClinVar (database versions not stated): TOPMed below 0.00001; gnomAD 0.00001; gnomAD exomes 0.00001; ExAC 0.00002.
gnomAD v4.1: 6 of 1,613,514 alleles (0.00037%); highest among the groups gnomAD compares: South Asian, 0.0011%; no homozygotes.

Submission:

CeGaT Center for Human Genetics Tuebingen
Classification: Uncertain significance. Last evaluated: 2022-07-01. Review status: criteria provided, single submitter. Criteria: CeGaT Center For Human Genetics Tuebingen Variant Classification Criteria Version 2. Collection method: clinical testing. Allele origin: germline. Affected: yes. Observed: 1 variant allele.
Comment: EFTUD2: PP2

NM_004247.4(EFTUD2):c.551C>T (p.Thr184Ile)

Gene: EFTUD2 (elongation factor Tu GTP binding domain containing 2; minus strand). Cytogenetic location: 17q21.31.
Variant type: single nucleotide variant.
Coding change: c.551C>T on transcript NM_004247.4 (MANE Select); coding-DNA position 551, C replaced by T.
Protein change: p.Thr184Ile; replaces threonine 184 with isoleucine.
Molecular consequence: missense variant.
Genome position (GRCh38, 1-based): chr17:44,880,622, G>A on the plus strand (C>T on the coding strand, the complement: EFTUD2 is on the minus strand). VCF-style: chr17-44880622-G-A. GRCh37 (hg19) VCF-style: chr17-42957990-G-A.
Other names: c.446C>T, p.Thr149Ile (NM_001142605.2); c.551C>T, p.Thr184Ile (NM_001258353.2); c.521C>T, p.Thr174Ile (NM_001258354.2); short protein forms T149I, T174I, T184I.
Identifiers: ClinVar variation 2647837 (VCV002647837.24), dbSNP rs757952207, ClinGen allele CA8608043.